The following is an entry in ClinVar:

ClinVar aggregate classification (germline): Benign (1 of 4 stars; one submission).

Allele frequency attached by ClinVar (database versions not stated): 1000 Genomes Project 0.00120; 1000 Genomes Project 30x 0.00141; TOPMed 0.00332; gnomAD 0.00411.
gnomAD v4.1: 606 of 150,076 alleles (0.4%); highest among the groups gnomAD compares: Non-Finnish European, 0.67%; 2 homozygotes.

Submission:

CeGaT Center for Human Genetics Tuebingen
Classification: Benign. Last evaluated: 2022-03-01. Review status: criteria provided, single submitter. Criteria: CeGaT Center For Human Genetics Tuebingen Variant Classification Criteria Version 2. Collection method: clinical testing. Allele origin: germline. Affected: yes. Observed: 1 variant allele.
Comment: SPAST: BS1, BS2

NM_014946.4(SPAST):c.683-984C>T

Gene: SPAST (spastin; plus strand). Cytogenetic location: 2p22.3.
Variant type: single nucleotide variant.
Coding change: c.683-984C>T on transcript NM_014946.4 (MANE Select); 984 bases into the intron before coding-DNA position 683, C replaced by T.
Molecular consequence: intron variant.
Genome position (GRCh38, 1-based): chr2:32,113,654, C>T. VCF-style: chr2-32113654-C-T. GRCh37 (hg19) VCF-style: chr2-32338723-C-T.
Other names: c.587-984C>T (NM_199436.2, NM_001377959.1); c.680-984C>T (NM_001363823.2); c.584-984C>T (NM_001363875.2).
Identifiers: ClinVar variation 2650804 (VCV002650804.24), dbSNP rs183285982, ClinGen allele CA44734972.